The following is an entry in ClinVar:

ClinVar aggregate classification (germline): Uncertain significance. Review status: criteria provided, multiple submitters, no conflicts (2 of 4 stars). 4 submissions from 4 submitters: Uncertain significance (4). Last evaluated 2025-12-26.

Conditions:
Noonan syndrome 5 (NS5). Also called: RAF1-Related Noonan Syndrome. Identifiers: Orphanet 648, MedGen C1969057, MONDO:0012690, OMIM 611553. Disease mechanism: gain of function.
RAF1-related disorder. Also called: RAF1-related disorders; RAF1-related condition.
RASopathy. Also called: rasopathies; Noonan spectrum disorder. Identifiers: Orphanet 536391, MedGen C5555857, MONDO:0021060.

Submissions (4):

Clinical Genomics Laboratory, Washington University in St. Louis
Classification: Uncertain significance for Noonan syndrome 5. Last evaluated: 2025-12-26. Review status: criteria provided, single submitter. Criteria: ACMG Guidelines, 2015. Collection method: clinical testing. Allele origin: germline.
Comment: The RAF1 c.68_70del (p.Asp23del) variant, to our knowledge, has not been reported in the medical literature but has been reported in the ClinVar database as a germline variant of uncertain significance by three submitters. This variant is only observed on 1/251480 alleles in the general population (gnomAD v2.1.1), indicating it is not a common variant. This variant is predicted to cause a change in the length of the protein due to an in-frame deletion of one amino acid in a non-repeat region without a known functional domain. Due to limited information, and based on ACMG/AMP guidelines for variant interpretation (Richards S et al., PMID: 25741868), the clinical significance of this variant is uncertain at this time.

Labcorp Genetics (formerly Invitae), Labcorp
Classification: Uncertain significance for RASopathy. Last evaluated: 2024-09-11. Review status: criteria provided, single submitter. Criteria: Invitae Variant Classification Sherloc (09022015). Collection method: clinical testing. Allele origin: germline.
Comment: This variant, c.68_70del, results in the deletion of 1 amino acid(s) of the RAF1 protein (p.Asp23del), but otherwise preserves the integrity of the reading frame. This variant is present in population databases (rs749549707, gnomAD 0.0009%). This variant has not been reported in the literature in individuals affected with RAF1-related conditions. ClinVar contains an entry for this variant (Variation ID: 1013959). Experimental studies and prediction algorithms are not available or were not evaluated, and the functional significance of this variant is currently unknown. In summary, the available evidence is currently insufficient to determine the role of this variant in disease. Therefore, it has been classified as a Variant of Uncertain Significance.

Women's Health and Genetics/Laboratory Corporation of America, LabCorp
Classification: Uncertain significance. Last evaluated: 2023-11-20. Review status: criteria provided, single submitter. Criteria: LabCorp Variant Classification Summary - May 2015. Collection method: clinical testing. Allele origin: germline.
Comment: Variant summary: RAF1 c.68_70delATG (p.Asp23del) results in an in-frame deletion that is predicted to remove one amino acid from the encoded protein. The variant allele was found at a frequency of 4e-06 in 251480 control chromosomes (gnomAD). The available data on variant occurrences in the general population are insufficient to allow any conclusion about variant significance. To our knowledge, no occurrence of c.68_70delATG in individuals affected with Noonan Syndrome and no experimental evidence demonstrating its impact on protein function have been reported. One submitter has reported clinical-significance assessments for this variant to ClinVar after 2014 and has classified the variant as uncertain significance. Based on the evidence outlined above, the variant was classified as uncertain significance.

PreventionGenetics, part of Exact Sciences
Classification: Uncertain significance for RAF1-related condition. Last evaluated: 2023-05-16. Review status: criteria provided, single submitter. Criteria: ACMG Guidelines, 2015. Collection method: clinical testing. Allele origin: germline.
Comment: The RAF1 c.68_70delATG variant is predicted to result in an in-frame deletion (p.Asp23del). To our knowledge, this variant has not been reported in the literature. This variant is reported in 0.00088% of alleles in individuals of European (Non-Finnish) descent in gnomAD. At this time, the clinical significance of this variant is uncertain due to the absence of conclusive functional and genetic evidence.

NM_002880.4(RAF1):c.68_70del (p.Asp23del)

Gene: RAF1 (Raf-1 proto-oncogene, serine/threonine kinase; minus strand). Cytogenetic location: 3p25.2.
Variant type: Deletion.
Coding change: c.68_70del on transcript NM_002880.4 (MANE Select); coding-DNA positions 68 to 70, 3 bases deleted (ATG; older notation c.68_70delATG).
Protein change: p.Asp23del; deletes aspartic acid 23.
Molecular consequence: inframe deletion. On other transcripts: 5 prime UTR variant (4), non-coding transcript variant (3).
Genome position (GRCh38, 1-based): chr3:12,618,652-12,618,654, CAT deleted on the plus strand (ATG on the coding strand, the reverse complement: RAF1 is on the minus strand); deleting any 3 consecutive bases within chr3:12,618,652-12,618,656 gives the same sequence; the c. name uses the placement nearest the transcript's 3' end. VCF-style (leftmost placement, unchanged base first): chr3-12618651-CCAT-C. GRCh37 (hg19) VCF-style: chr3-12660150-CCAT-C.
Other names: c.68_70del, p.Asp23del (NM_001354689.3, NM_001354690.3, NM_001354693.3); c.-63_-61del (NM_001354691.3, NM_001354692.3, NM_001354694.3 and 1 more transcripts); c.68_70delATG (NM_002880.4); short protein forms D23del.
Identifiers: ClinVar variation 1013959 (VCV001013959.11), dbSNP rs749549707, ClinGen allele CA2259842.